The following is an entry in ClinVar:

ClinVar aggregate classification (germline): Benign/Likely benign. Review status: criteria provided, multiple submitters, no conflicts (2 of 4 stars). 3 submissions from 3 submitters: Benign (1); Likely benign (2). Last evaluated 2018-01-12.

Conditions:
Medium-chain acyl-coenzyme A dehydrogenase deficiency (ACADMD). Also called: MCAD Deficiency; ACADM DEFICIENCY; MCADD; Medium chain acyl-CoA dehydrogenase deficiency; CARNITINE DEFICIENCY SECONDARY TO MEDIUM-CHAIN ACYL-CoA DEHYDROGENASE DEFICIENCY; MCADH DEFICIENCY. Identifiers: Orphanet 42, MedGen C0220710, MONDO:0008721, OMIM 201450.

Allele frequency attached by ClinVar (database versions not stated): gnomAD 0.00652 and 0.00658; TOPMed 0.00894; 1000 Genomes Project 0.00899; 1000 Genomes Project 30x 0.00968.

Submissions (3):

Illumina Laboratory Services, Illumina
Classification: Likely benign for Medium-chain acyl-coenzyme A dehydrogenase deficiency. Last evaluated: 2018-01-12. Review status: criteria provided, single submitter. Criteria: ICSL Variant Classification Criteria 13 December 2019. Collection method: clinical testing. Allele origin: germline.
Comment: This variant was observed in the ICSL laboratory as part of a predisposition screen in an ostensibly healthy population. It had not been previously curated by ICSL or reported in the Human Gene Mutation Database (HGMD: prior to June 1st, 2018), and was therefore a candidate for classification through an automated scoring system. Utilizing variant allele frequency, disease prevalence and penetrance estimates, and inheritance mode, an automated score was calculated to assess if this variant is too frequent to cause the disease. Based on the score and internal cut-off values, a variant classified as likely benign is not then subjected to further curation. The score for this variant resulted in a classification of likely benign for this disease.

ARUP Laboratories, Molecular Genetics and Genomics, ARUP Laboratories
Classification: Benign for Medium-chain acyl-coenzyme A dehydrogenase deficiency. Last evaluated: 2015-02-20. Review status: criteria provided, single submitter. Criteria: ACMG Guidelines, 2015. Collection method: clinical testing. Allele origin: germline. Inheritance: Autosomal recessive inheritance. Observed: 4 heterozygotes, 2 homozygotes.

Breakthrough Genomics
Classification: Likely benign. Review status: criteria provided, single submitter. Criteria: ACMG Guidelines, 2015. Collection method: not provided. Allele origin: germline. Inheritance: Autosomal recessive inheritance. Affected: yes.

NM_000016.6(ACADM):c.*77C>T

Gene: ACADM (acyl-CoA dehydrogenase medium chain; plus strand). Cytogenetic location: 1p31.1.
Variant type: single nucleotide variant.
Coding change: c.*77C>T on transcript NM_000016.6 (MANE Select); 77 bases downstream of the stop codon, C replaced by T.
Molecular consequence: 3 prime UTR variant.
Genome position (GRCh38, 1-based): chr1:75,762,840, C>T. VCF-style: chr1-75762840-C-T. GRCh37 (hg19) VCF-style: chr1-76228525-C-T.
Other names: c.*77C>T (NM_001127328.3, NM_001286042.2, NM_001286043.2 and 1 more transcripts).
Identifiers: ClinVar variation 226053 (VCV000226053.12), dbSNP rs143911981, ClinGen allele CA10576247.